The following is an entry in ClinVar:

NM_016132.5(MYEF2):c.525+14T>C

Gene: MYEF2 (myelin expression factor 2; minus strand). Cytogenetic location: 15q21.1.
Variant type: single nucleotide variant.
Coding change: c.525+14T>C on transcript NM_016132.5 (MANE Select); 14 bases into the intron after coding-DNA position 525, T replaced by C.
Molecular consequence: intron variant.
Genome position (GRCh38, 1-based): chr15:48,165,919, A>G on the plus strand (T>C on the coding strand, the complement: MYEF2 is on the minus strand). VCF-style: chr15-48165919-A-G. GRCh37 (hg19) VCF-style: chr15-48458116-A-G.
Other names: c.525+14T>C (NM_001301210.2).
Identifiers: ClinVar variation 3346718 (VCV003346718.1).

ClinVar aggregate classification (germline): Likely benign (0 of 4 stars; one submission).

Conditions:
MYEF2-related condition.

Submission:

PreventionGenetics, part of Exact Sciences
Classification: Likely benign for MYEF2-related condition. Last evaluated: 2024-07-10. Review status: no assertion criteria provided. Collection method: clinical testing. Allele origin: germline.
Comment: This variant is classified as likely benign based on ACMG/AMP sequence variant interpretation guidelines (Richards et al. 2015 PMID: 25741868, with internal and published modifications).